The following is an entry in ClinVar:

ClinVar aggregate classification (germline): Uncertain significance (1 of 4 stars; one submission).

Conditions:
Multiple gastrointestinal atresias. Also called: Multiple intestinal atresia; FAMILIAL INTESTINAL POLYATRESIA SYNDROME. Identifiers: Orphanet 2300, MedGen C0220744, MONDO:0009465.

Allele frequency attached by ClinVar (database versions not stated): gnomAD 0.00003; TOPMed 0.00003; ExAC 0.00004; gnomAD exomes 0.00004 and 0.00009.
gnomAD v4.1: 136 of 1,604,642 alleles (0.0085%); highest among the groups gnomAD compares: Non-Finnish European, 0.011%; no homozygotes.

Submission:

Labcorp Genetics (formerly Invitae), Labcorp
Classification: Uncertain significance for Multiple gastrointestinal atresias. Last evaluated: 2022-11-01. Review status: criteria provided, single submitter. Criteria: Invitae Variant Classification Sherloc (09022015). Collection method: clinical testing. Allele origin: germline.
Comment: In summary, the available evidence is currently insufficient to determine the role of this variant in disease. Therefore, it has been classified as a Variant of Uncertain Significance. Variants that disrupt the consensus splice site are a relatively common cause of aberrant splicing (PMID: 17576681, 9536098). Algorithms developed to predict the effect of sequence changes on RNA splicing suggest that this variant is not likely to affect RNA splicing. ClinVar contains an entry for this variant (Variation ID: 967155). This variant has not been reported in the literature in individuals affected with TTC7A-related conditions. This variant is present in population databases (rs779771506, gnomAD 0.009%). This sequence change falls in intron 14 of the TTC7A gene. It does not directly change the encoded amino acid sequence of the TTC7A protein. It affects a nucleotide within the consensus splice site.

Literature cited by the submitters: PubMed 17576681; PubMed 9536098.

NM_020458.4(TTC7A):c.1641+4G>A

Gene: TTC7A (tetratricopeptide repeat domain 7A; plus strand). Cytogenetic location: 2p21.
Variant type: single nucleotide variant.
Coding change: c.1641+4G>A on transcript NM_020458.4 (MANE Select); 4 bases into the intron after coding-DNA position 1641, G replaced by A.
Molecular consequence: intron variant.
Genome position (GRCh38, 1-based): chr2:47,024,363, G>A. VCF-style: chr2-47024363-G-A. GRCh37 (hg19) VCF-style: chr2-47251502-G-A.
Other names: c.1539+4G>A (NM_001288953.2); c.1641+4G>A (NM_001288951.2); c.579+4G>A (NM_001288955.2).
Identifiers: ClinVar variation 967155 (VCV000967155.8), dbSNP rs779771506, ClinGen allele CA1647779.